The following is an entry in ClinVar:

NM_000282.4(PCCA):c.305del (p.His102fs)

Gene: PCCA (propionyl-CoA carboxylase subunit alpha; plus strand). Cytogenetic location: 13q32.3.
Variant type: Deletion.
Coding change: c.305del on transcript NM_000282.4 (MANE Select); coding-DNA position 305, one base deleted (A; older notation c.305delA).
Protein change: p.His102fs; shifts the reading frame from histidine 102.
Molecular consequence: frameshift variant. On other transcripts: 5 prime UTR variant (3), non-coding transcript variant (5).
Genome position (GRCh38, 1-based): chr13:100,154,983, A deleted. VCF-style (leftmost placement, unchanged base first): chr13-100154982-CA-C. GRCh37 (hg19) VCF-style: chr13-100807236-CA-C.
Other names: c.227del, p.His76fs (NM_001127692.3, NM_001352607.2, NM_001352608.2); c.305del, p.His102fs (NM_001178004.2, NM_001352605.2, NM_001352606.2 and 1 more transcripts); c.-562del (NM_001352610.2, NM_001352611.2, NM_001352612.2); short protein forms H76fs, H102fs.
Identifiers: ClinVar variation 638020 (VCV000638020.4), dbSNP rs1594413545, ClinGen allele CA915948805.

ClinVar aggregate classification (germline): Pathogenic. Review status: criteria provided, single submitter (1 of 4 stars). 2 submissions from 2 submitters: Pathogenic (1). 1 of the submissions does not count toward it. Last evaluated 2023-05-23.

Conditions:
Propionic acidemia (PROP). Also called: GLYCINEMIA, KETOTIC; HYPERGLYCINEMIA WITH KETOACIDOSIS AND LEUKOPENIA; KETOTIC HYPERGLYCINEMIA. Identifiers: Orphanet 35, MedGen C0268579, MONDO:0011628, OMIM 606054, HP:0003571.

Submissions (2):

Labcorp Genetics (formerly Invitae), Labcorp
Classification: Pathogenic for Propionic acidemia. Last evaluated: 2023-05-23. Review status: criteria provided, single submitter. Criteria: Invitae Variant Classification Sherloc (09022015). Collection method: clinical testing. Allele origin: germline.
Comment: For these reasons, this variant has been classified as Pathogenic. ClinVar contains an entry for this variant (Variation ID: 638020). This premature translational stop signal has been observed in individual(s) with propionic acidemia (PMID: 35331292). This variant is not present in population databases (gnomAD no frequency). This sequence change creates a premature translational stop signal (p.His102Leufs*2) in the PCCA gene. It is expected to result in an absent or disrupted protein product. Loss-of-function variants in PCCA are known to be pathogenic (PMID: 15464417).

Laboratory of Metabolic Disorders, Peking University First Hospital
Classification: Pathogenic for Propionic acidemia. Last evaluated: 2019-05-08. Review status: no assertion criteria provided. Collection method: clinical testing. Allele origin: inherited. Affected: yes. Not counted in ClinVar's aggregate classification.

Literature cited by the submitters: PubMed 35331292 (cited by Labcorp Genetics (formerly Invitae), Labcorp); PubMed 15464417 (cited by Labcorp Genetics (formerly Invitae), Labcorp).